The following is an entry in ClinVar:

NM_000179.3(MSH6):c.458-8C>A

Gene: MSH6 (mutS homolog 6; plus strand). Cytogenetic location: 2p16.3.
Variant type: single nucleotide variant.
Coding change: c.458-8C>A on transcript NM_000179.3 (MANE Select); 8 bases into the intron before coding-DNA position 458, C replaced by A.
Molecular consequence: intron variant. On other transcripts: 5 prime UTR variant (1).
Genome position (GRCh38, 1-based): chr2:47,795,886, C>A. VCF-style: chr2-47795886-C-A. GRCh37 (hg19) VCF-style: chr2-48023025-C-A.
Other names: c.-76C>A (NM_001406807.1); c.458-8C>A (NM_001406809.1, NM_001406796.1, NM_001406808.1 and 5 more transcripts); c.-279-2725C>A (NM_001406811.1, NM_001281493.2, NM_001406812.1 and 4 more transcripts); c.161-8C>A (NM_001406805.1, NM_001406797.1, NM_001406801.1 and 10 more transcripts); c.554-8C>A (NM_001406795.1, NM_001406802.1); c.464-8C>A (NM_001406813.1); c.-537-8C>A (NM_001406814.1); c.-68-8C>A (NM_001406799.1, NM_001406806.1); and 4 more.
Identifiers: ClinVar variation 3572008 (VCV003572008.3).
Genomic context (GRCh38, chr2:47,795,886, plus strand): 5'-ACTGCTGGGATTACAGGCGTGAGCCTCTGCACCCGGCCCTTATTGTTTATAAATACATTT[C>A]TTTCTAGGTTCAAAATCAAAGGAAGCCCAGAAGGGAGGTCATTTTTACAGTGCAAAGCCT-3'

ClinVar aggregate classification (germline): Conflicting classifications of pathogenicity. Review status: criteria provided, conflicting classifications (1 of 4 stars). 2 submissions from 2 submitters: Uncertain significance (1); Likely benign (1). Last evaluated 2024-08-25.

Conditions:
Hereditary nonpolyposis colorectal neoplasms. Identifiers: MedGen C0009405, MeSH D003123.

Submissions (2):

Quest Diagnostics Nichols Institute San Juan Capistrano
Classification: Uncertain significance. Last evaluated: 2024-08-25. Review status: criteria provided, single submitter. Criteria: Quest Diagnostics criteria. Collection method: clinical testing. Allele origin: unknown.
Comment: The MSH6 c.458-8C>A variant has not been reported in individuals with MSH6-related conditions in the published literature. It also has not been reported in large, multi-ethnic general populations (Genome Aggregation Database). Analysis of this variant using software algorithms for the prediction of the effect of nucleotide changes on splicing yielded predictions that this variant does not affect MSH6 mRNA splicing. Based on the available information, we are unable to determine the clinical significance of this variant.

Labcorp Genetics (formerly Invitae), Labcorp
Classification: Likely benign for Hereditary nonpolyposis colorectal neoplasms. Last evaluated: 2024-05-25. Review status: criteria provided, single submitter. Criteria: Invitae Variant Classification Sherloc (09022015). Collection method: clinical testing. Allele origin: germline.